The following is an entry in ClinVar:

NM_001378609.3(OTOGL):c.518C>T (p.Ser173Leu)

Gene: OTOGL (otogelin like; plus strand). Cytogenetic location: 12q21.31.
Variant type: single nucleotide variant.
Coding change: c.518C>T on transcript NM_001378609.3 (MANE Select); coding-DNA position 518, C replaced by T.
Protein change: p.Ser173Leu; replaces serine 173 with leucine.
Molecular consequence: missense variant.
Genome position (GRCh38, 1-based): chr12:80,229,285, C>T. VCF-style: chr12-80229285-C-T. GRCh37 (hg19) VCF-style: chr12-80623065-C-T.
Other names: c.518C>T, p.Ser173Leu (NM_001368062.3, NM_001378610.3, NM_173591.7); short protein forms S164L, S173L.
Identifiers: ClinVar variation 504843 (VCV000504843.13), dbSNP rs377611164, ClinGen allele CA6700203.

ClinVar aggregate classification (germline): Uncertain significance. Review status: criteria provided, multiple submitters, no conflicts (2 of 4 stars). 3 submissions from 3 submitters: Uncertain significance (3). Last evaluated 2024-01-03.

Conditions:
Inborn genetic diseases. Identifiers: MedGen C0950123, MeSH D030342.

Allele frequency attached by ClinVar (database versions not stated): gnomAD exomes 0.00001 and 0.00004; gnomAD 0.00002 and 0.00003; ExAC 0.00003; TOPMed 0.00003; ESP Exome Variant Server 0.00017.
gnomAD v4.1: 29 of 1,597,236 alleles (0.0018%); highest among the groups gnomAD compares: South Asian, 0.019%; no homozygotes.

Submissions (3):

Ambry Genetics
Classification: Uncertain significance for Inborn genetic diseases. Last evaluated: 2024-01-03. Review status: criteria provided, single submitter. Criteria: Ambry Variant Classification Scheme 2023. Collection method: clinical testing. Allele origin: germline.

Labcorp Genetics (formerly Invitae), Labcorp
Classification: Uncertain significance. Last evaluated: 2021-08-06. Review status: criteria provided, single submitter. Criteria: Invitae Variant Classification Sherloc (09022015). Collection method: clinical testing. Allele origin: germline.
Comment: This sequence change replaces serine with leucine at codon 164 of the OTOGL protein (p.Ser164Leu). The serine residue is moderately conserved and there is a large physicochemical difference between serine and leucine. In summary, the available evidence is currently insufficient to determine the role of this variant in disease. Therefore, it has been classified as a Variant of Uncertain Significance. Algorithms developed to predict the effect of missense changes on protein structure and function are either unavailable or do not agree on the potential impact of this missense change (SIFT: "Deleterious"; PolyPhen-2: "Possibly Damaging"; Align-GVGD: "Class C0"). This variant has not been reported in the literature in individuals with OTOGL-related conditions. ClinVar contains an entry for this variant (Variation ID: 504843). This variant is present in population databases (rs377611164, ExAC 0.02%).

Laboratory for Molecular Medicine, Mass General Brigham Personalized Medicine
Classification: Uncertain significance. Last evaluated: 2017-03-16. Review status: criteria provided, single submitter. Criteria: LMM Criteria. Collection method: clinical testing. Allele origin: germline. Observed: 1 variant allele.
Comment: The p.Ser164Leu variant in OTOGL has not been previously reported in individuals with hearing loss, but it has been identified in 4/30742 South Asian chromosome s by the Genome Aggregation Database (gnomAD; dbSNP rs377611164). Although this variant has been seen in the general populatio n, its frequency is not high enough to rule out a pathogenic role. Computational prediction tools and conservation analyses do not provide strong support for or against an impact to the protein. In summary, the clinical significance of the p.Ser164Leu variant is uncertain.